The following is an entry in ClinVar:

ClinVar aggregate classification (germline): Uncertain significance (1 of 4 stars; one submission).

Submission:

Labcorp Genetics (formerly Invitae), Labcorp
Classification: Uncertain significance. Last evaluated: 2025-12-03. Review status: criteria provided, single submitter. Criteria: Invitae Variant Classification Sherloc (09022015). Collection method: clinical testing. Allele origin: germline.
Comment: This sequence change creates a premature translational stop signal (p.Ile602Thrfs*74) in the KL gene. It is expected to result in an absent or disrupted protein product. However, the current clinical and genetic evidence is not sufficient to establish whether loss-of-function variants in KL cause disease. This variant is present in population databases (rs771929032, gnomAD 0.002%). This variant has not been reported in the literature in individuals affected with KL-related conditions. ClinVar contains an entry for this variant (Variation ID: 1501427). In summary, the available evidence is currently insufficient to determine the role of this variant in disease. Therefore, it has been classified as a Variant of Uncertain Significance.

NM_004795.4(KL):c.1805_1835del (p.Ile602fs)

Gene: KL (klotho; plus strand). Cytogenetic location: 13q13.1.
Variant type: Deletion.
Coding change: c.1805_1835del on transcript NM_004795.4 (MANE Select); coding-DNA positions 1805 to 1835, 31 bases deleted.
Protein change: p.Ile602fs; shifts the reading frame from isoleucine 602.
Molecular consequence: frameshift variant.
Genome position (GRCh38, 1-based): chr13:33,060,884-33,060,914, 31 bases deleted; deleting any 31 consecutive bases within chr13:33,060,883-33,060,914 gives the same sequence; the c. name uses the placement nearest the transcript's 3' end. GRCh37 (hg19): chr13:33,635,021-33,635,051.
Other names: short protein forms I602fs.
Identifiers: ClinVar variation 1501427 (VCV001501427.6), dbSNP rs771929032, ClinGen allele CA6944187.